The following is an entry in ClinVar:

NM_001197104.2(KMT2A):c.9902C>T (p.Pro3301Leu)

Gene: KMT2A (lysine methyltransferase 2A; plus strand). Cytogenetic location: 11q23.3.
Variant type: single nucleotide variant.
Coding change: c.9902C>T on transcript NM_001197104.2 (MANE Select); coding-DNA position 9902, C replaced by T.
Protein change: p.Pro3301Leu; replaces proline 3301 with leucine.
Molecular consequence: missense variant.
Genome position (GRCh38, 1-based): chr11:118,505,794, C>T. VCF-style: chr11-118505794-C-T. GRCh37 (hg19) VCF-style: chr11-118376509-C-T.
Other names: c.9992C>T, p.Pro3331Leu (NM_001412597.1); c.9893C>T, p.Pro3298Leu (NM_005933.4); short protein forms P3301L, P3331L, P3298L.
Identifiers: ClinVar variation 3023444 (VCV003023444.3), dbSNP rs781852468, ClinGen allele CA382822195.
Genomic context (GRCh38, chr11:118,505,794, plus strand): 5'-CTCACCGAACTGTCCCCAACATCATAAAAAGATCTAAATCTAGCATCATGTATTTTGAAC[C>T]GGCACCCCTGTTACCACAGAGTGTGGGAGGAACTGCTGCCACAGCGGCAGGCACATCAAC-3'
Protein context (NP_001184033.1, residues 3291-3311): RSKSSIMYFE[Pro3301Leu]APLLPQSVGG

ClinVar aggregate classification (germline): Uncertain significance (1 of 4 stars; one submission).

Allele frequency attached by ClinVar (database versions not stated): TOPMed below 0.00001.
gnomAD v4.1: 3 of 1,614,070 alleles (0.00019%); highest among the groups gnomAD compares: Admixed American, 0.0033%; no homozygotes.

Submission:

Labcorp Genetics (formerly Invitae), Labcorp
Classification: Uncertain significance. Last evaluated: 2025-04-02. Review status: criteria provided, single submitter. Criteria: Invitae Variant Classification Sherloc (09022015). Collection method: clinical testing. Allele origin: germline.
Comment: This sequence change replaces proline, which is neutral and non-polar, with leucine, which is neutral and non-polar, at codon 3301 of the KMT2A protein (p.Pro3301Leu). This variant is present in population databases (no rsID available, gnomAD 0.003%). This variant has not been reported in the literature in individuals affected with KMT2A-related conditions. ClinVar contains an entry for this variant (Variation ID: 3023444). Invitae Evidence Modeling of protein sequence and biophysical properties (such as structural, functional, and spatial information, amino acid conservation, physicochemical variation, residue mobility, and thermodynamic stability) indicates that this missense variant is not expected to disrupt KMT2A protein function with a negative predictive value of 95%. In summary, the available evidence is currently insufficient to determine the role of this variant in disease. Therefore, it has been classified as a Variant of Uncertain Significance.